The following is an entry in ClinVar:

ClinVar aggregate classification (germline): Uncertain significance. Review status: criteria provided, multiple submitters, no conflicts (2 of 4 stars). 3 submissions from 3 submitters: Uncertain significance (2). 1 of the submissions does not count toward it. Last evaluated 2025-08-14.

Conditions:
FSIP2-related disorder. Also called: FSIP2-related condition.

Allele frequency attached by ClinVar (database versions not stated): ExAC 0.00015; gnomAD exomes 0.00030; TOPMed 0.00186; gnomAD 0.00189; 1000 Genomes Project 30x 0.00234; 1000 Genomes Project 0.00260.
gnomAD v4.1: 696 of 1,530,886 alleles (0.045%); highest among the groups gnomAD compares: African/African-American, 0.61%; 1 homozygote.

Submissions (3):

Ambry Genetics
Classification: Uncertain significance. Last evaluated: 2025-08-14. Review status: criteria provided, single submitter. Criteria: Ambry Variant Classification Scheme 2023. Collection method: clinical testing. Allele origin: germline.

CeGaT Center for Human Genetics Tuebingen
Classification: Uncertain significance. Last evaluated: 2022-06-01. Review status: criteria provided, single submitter. Criteria: CeGaT Center For Human Genetics Tuebingen Variant Classification Criteria Version 2. Collection method: clinical testing. Allele origin: germline. Affected: yes. Observed: 1 variant allele.
Comment: FSIP2: PP2, BP4

PreventionGenetics, part of Exact Sciences
Classification: Likely benign for FSIP2-related condition. Last evaluated: 2019-12-12. Review status: no assertion criteria provided. Collection method: clinical testing. Allele origin: germline. Not counted in ClinVar's aggregate classification.
Comment: This variant is classified as likely benign based on ACMG/AMP sequence variant interpretation guidelines (Richards et al. 2015 PMID: 25741868, with internal and published modifications).

NM_173651.4(FSIP2):c.11144C>T (p.Thr3715Met)

Gene: FSIP2 (fibrous sheath interacting protein 2; plus strand). Cytogenetic location: 2q32.1.
Variant type: single nucleotide variant.
Coding change: c.11144C>T on transcript NM_173651.4 (MANE Select); coding-DNA position 11144, C replaced by T.
Protein change: p.Thr3715Met; replaces threonine 3715 with methionine.
Molecular consequence: missense variant.
Genome position (GRCh38, 1-based): chr2:185,800,450, C>T. VCF-style: chr2-185800450-C-T. GRCh37 (hg19) VCF-style: chr2-186665177-C-T.
Other names: c.11144C>T (NM_173651.3); c.11411C>T (NM_173651.2); short protein forms T3715M.
Identifiers: ClinVar variation 2651748 (VCV002651748.26), dbSNP rs189766837, ClinGen allele CA2016944.